The following is an entry in ClinVar:

NM_177939.3(P4HTM):c.322_327del (p.Leu108_Gly109del)

Gene: P4HTM (prolyl 4-hydroxylase, transmembrane; plus strand). Cytogenetic location: 3p21.31.
Variant type: Deletion.
Coding change: c.322_327del on transcript NM_177939.3 (MANE Select); coding-DNA positions 322 to 327, 6 bases deleted (TTAGGT; older notation c.322_327delTTAGGT).
Protein change: p.Leu108_Gly109del.
Genome position (GRCh38, 1-based): chr3:48,990,578-48,990,583, TTAGGT deleted. VCF-style (leftmost placement, unchanged base first): chr3-48990577-CTTAGGT-C. GRCh37 (hg19) VCF-style: chr3-49028010-CTTAGGT-C.
Other names: c.322_327del, p.Leu108_Gly109del (NM_177938.2); c.322_327delTTAGGT (NM_177938.2).
Identifiers: ClinVar variation 3927150 (VCV003927150.1).
Genomic context (GRCh38, chr3:48,990,577, plus strand): 5'-CGACGAAAGCAGCGATCCCGGGCCCCAACACCGTGCCCAGGGCCCCGGGCCCGAGCCCAC[CTTAGGT>C]CCCCTCACCCGGCTGGAGGGCATCAAGGTGAGGACCTCCCTGCCCCGCCGCGCTCCAGGC-3'

ClinVar aggregate classification (germline): Uncertain significance (1 of 4 stars; one submission).

Conditions:
Inborn genetic diseases. Identifiers: MedGen C0950123, MeSH D030342.

Submission:

Ambry Genetics
Classification: Uncertain significance for Inborn genetic diseases. Last evaluated: 2025-05-23. Review status: criteria provided, single submitter. Criteria: Ambry Variant Classification Scheme 2023. Collection method: clinical testing. Allele origin: germline.
Comment: The c.322_327delTTAGGT (p.L108_G109del) alteration is located in exon 1 (coding exon 1) of the P4HTM gene. This alteration consists of an in-frame deletion of 6 nucleotides between nucleotide positions c.322 and c.327, resulting in the deletion of 2 residues. Based on insufficient or conflicting evidence, the clinical significance of this alteration remains unclear.